The following is an entry in ClinVar:

NM_001276270.2(MBD4):c.1063T>G (p.Ser355Ala)

Gene: MBD4 (methyl-CpG binding domain 4, DNA glycosylase; minus strand). Cytogenetic location: 3q21.3.
Variant type: single nucleotide variant.
Coding change: c.1063T>G on transcript NM_001276270.2 (MANE Select); coding-DNA position 1063, T replaced by G.
Protein change: p.Ser355Ala; replaces serine 355 with alanine.
Molecular consequence: missense variant. On other transcripts: intron variant (1).
Genome position (GRCh38, 1-based): chr3:129,436,581, A>C on the plus strand (T>G on the coding strand, the complement: MBD4 is on the minus strand). VCF-style: chr3-129436581-A-C. GRCh37 (hg19) VCF-style: chr3-129155424-A-C.
Other names: c.1063T>G, p.Ser355Ala (NM_001276271.2, NM_001276272.2, NM_003925.3); c.247+1227T>G (NM_001276273.2); short protein forms S355A.
Identifiers: ClinVar variation 3870927 (VCV003870927.1).

ClinVar aggregate classification (germline): Uncertain significance (1 of 4 stars; one submission).

Conditions:
Inborn genetic diseases. Identifiers: MedGen C0950123, MeSH D030342.

Submission:

Ambry Genetics
Classification: Uncertain significance for Inborn genetic diseases. Last evaluated: 2025-02-09. Review status: criteria provided, single submitter. Criteria: Ambry Variant Classification Scheme 2023. Collection method: clinical testing. Allele origin: germline.
Comment: The p.S355A variant (also known as c.1063T>G), located in coding exon 3 of the MBD4 gene, results from a T to G substitution at nucleotide position 1063. The serine at codon 355 is replaced by alanine, an amino acid with similar properties. This amino acid position is conserved. In addition, this alteration is predicted to be tolerated by in silico analysis. Based on the available evidence, the clinical significance of this variant remains unclear.